The following is an entry in ClinVar:

NM_000760.4(CSF3R):c.1154T>C (p.Leu385Pro)

Gene: CSF3R (colony stimulating factor 3 receptor; minus strand). Cytogenetic location: 1p34.3.
Variant type: single nucleotide variant.
Coding change: c.1154T>C on transcript NM_000760.4 (MANE Select); coding-DNA position 1154, T replaced by C.
Protein change: p.Leu385Pro; replaces leucine 385 with proline.
Molecular consequence: missense variant.
Genome position (GRCh38, 1-based): chr1:36,471,564, A>G on the plus strand (T>C on the coding strand, the complement: CSF3R is on the minus strand). VCF-style: chr1-36471564-A-G. GRCh37 (hg19) VCF-style: chr1-36937165-A-G.
Other names: c.1154T>C, p.Leu385Pro (NM_156039.3, NM_172313.3); short protein forms L385P.
Identifiers: ClinVar variation 4702492 (VCV004702492.1).

ClinVar aggregate classification (germline): Uncertain significance (1 of 4 stars; one submission).

Conditions:
Autosomal recessive severe congenital neutropenia due to CSF3R deficiency. Also called: Neutropenia, severe congenital, 7, autosomal recessive. Identifiers: Orphanet 420702, MedGen C4310764, MONDO:0014865, OMIM 617014.

Submission:

Labcorp Genetics (formerly Invitae), Labcorp
Classification: Uncertain significance for Autosomal recessive severe congenital neutropenia due to CSF3R deficiency. Last evaluated: 2025-03-13. Review status: criteria provided, single submitter. Criteria: Invitae Variant Classification Sherloc (09022015). Collection method: clinical testing. Allele origin: germline.
Comment: This sequence change replaces leucine, which is neutral and non-polar, with proline, which is neutral and non-polar, at codon 385 of the CSF3R protein (p.Leu385Pro). This variant is not present in population databases (gnomAD no frequency). This variant has not been reported in the literature in individuals affected with CSF3R-related conditions. Invitae Evidence Modeling of protein sequence and biophysical properties (such as structural, functional, and spatial information, amino acid conservation, physicochemical variation, residue mobility, and thermodynamic stability) indicates that this missense variant is not expected to disrupt CSF3R protein function with a negative predictive value of 80%. In summary, the available evidence is currently insufficient to determine the role of this variant in disease. Therefore, it has been classified as a Variant of Uncertain Significance.